The following is an entry in ClinVar:

NM_032776.3(JMJD1C):c.5964C>A (p.Ser1988Arg)

Gene: JMJD1C (jumonji domain containing 1C; minus strand). Cytogenetic location: 10q21.3.
Variant type: single nucleotide variant.
Coding change: c.5964C>A on transcript NM_032776.3 (MANE Select); coding-DNA position 5964, C replaced by A.
Protein change: p.Ser1988Arg; replaces serine 1988 with arginine.
Molecular consequence: missense variant. On other transcripts: non-coding transcript variant (1).
Genome position (GRCh38, 1-based): chr10:63,193,050, G>T on the plus strand (C>A on the coding strand, the complement: JMJD1C is on the minus strand). VCF-style: chr10-63193050-G-T. GRCh37 (hg19) VCF-style: chr10-64952810-G-T.
Other names: c.5418C>A, p.Ser1806Arg (NM_001282948.2, NM_001318154.2); c.5100C>A, p.Ser1700Arg (NM_001318153.2); c.5850C>A, p.Ser1950Arg (NM_001322252.2); c.5307C>A, p.Ser1769Arg (NM_001322254.2, NM_001322258.2); short protein forms S1988R, S1806R, S1950R, S1700R, S1769R.
Identifiers: ClinVar variation 529699 (VCV000529699.8), dbSNP rs1554831457, ClinGen allele CA377026428.
Genomic context (GRCh38, chr10:63,193,050, plus strand): 5'-TGGTGACTGGGATTCTGGAGGAGTTAACTTGTTATCTGTGCCTACATCACTCTCTGGGCT[G>T]CTGCCACCATTTTTCTCAGACTTCGGAGGAGTATTTTGCTGCTGAGACTCAGGCATGCAC-3'
Protein context (NP_116165.1, residues 1978-1998): TPPKSEKNGG[Ser1988Arg]SPESDVGTDN

ClinVar aggregate classification (germline): Uncertain significance (1 of 4 stars; one submission).

Conditions:
Early Myoclonic Encephalopathy. Identifiers: MedGen C0270855.

Allele frequency attached by ClinVar (database versions not stated): gnomAD 0.00001; TOPMed below 0.00001.
gnomAD v4.1: 1 of 1,613,994 alleles (0.000062%); highest among the groups gnomAD compares: African/African-American, 0.0013%; no homozygotes.

Submission:

Labcorp Genetics (formerly Invitae), Labcorp
Classification: Uncertain significance for Early Myoclonic Encephalopathy. Last evaluated: 2022-06-13. Review status: criteria provided, single submitter. Criteria: Invitae Variant Classification Sherloc (09022015). Collection method: clinical testing. Allele origin: germline.
Comment: In summary, the available evidence is currently insufficient to determine the role of this variant in disease. Therefore, it has been classified as a Variant of Uncertain Significance. Algorithms developed to predict the effect of missense changes on protein structure and function output the following: SIFT: "Deleterious"; PolyPhen-2: "Benign"; Align-GVGD: "Class C0". The arginine amino acid residue is found in multiple mammalian species, which suggests that this missense change does not adversely affect protein function. ClinVar contains an entry for this variant (Variation ID: 529699). This variant has not been reported in the literature in individuals affected with JMJD1C-related conditions. This variant is not present in population databases (gnomAD no frequency). This sequence change replaces serine, which is neutral and polar, with arginine, which is basic and polar, at codon 1988 of the JMJD1C protein (p.Ser1988Arg).